The following is an entry in ClinVar:

ClinVar aggregate classification (germline): Conflicting classifications of pathogenicity. Review status: criteria provided, conflicting classifications (1 of 4 stars). 4 submissions from 4 submitters: Uncertain significance (3); Likely benign (1). Last evaluated 2026-01-20.

Conditions:
Sessile serrated polyposis cancer syndrome (SSPCS). Identifiers: Orphanet 157798, MedGen C4310714, MONDO:0014919, OMIM 617108.

Allele frequency attached by ClinVar (database versions not stated): TOPMed 0.00002.

Submissions (4):

Labcorp Genetics (formerly Invitae), Labcorp
Classification: Uncertain significance. Last evaluated: 2026-01-20. Review status: criteria provided, single submitter. Criteria: Invitae Variant Classification Sherloc (09022015). Collection method: clinical testing. Allele origin: germline.
Comment: This sequence change replaces arginine, which is basic and polar, with tryptophan, which is neutral and slightly polar, at codon 363 of the RNF43 protein (p.Arg363Trp). The frequency data for this variant in the population databases is considered unreliable, as metrics indicate poor data quality at this position in the gnomAD database. This variant has not been reported in the literature in individuals affected with RNF43-related conditions. ClinVar contains an entry for this variant (Variation ID: 961843). An algorithm developed to predict the effect of missense changes on protein structure and function (PolyPhen-2) suggests that this variant is likely to be disruptive. In summary, the available evidence is currently insufficient to determine the role of this variant in disease. Therefore, it has been classified as a Variant of Uncertain Significance.

Ambry Genetics
Classification: Likely benign. Last evaluated: 2025-01-14. Review status: criteria provided, single submitter. Criteria: Ambry Variant Classification Scheme 2023. Collection method: clinical testing. Allele origin: germline.

Baylor Genetics
Classification: Uncertain significance for Sessile serrated polyposis cancer syndrome. Last evaluated: 2024-02-09. Review status: criteria provided, single submitter. Criteria: ACMG Guidelines, 2015. Collection method: clinical testing. Allele origin: unknown.

Department of Pathology and Laboratory Medicine, Sinai Health System
Classification: Uncertain significance for Sessile serrated polyposis cancer syndrome. Last evaluated: 2023-09-28. Review status: criteria provided, single submitter. Criteria: ACMG Guidelines, 2015. Collection method: clinical testing. Allele origin: germline. Affected: yes.

NM_017763.6(RNF43):c.1087C>T (p.Arg363Trp)

Gene: RNF43 (ring finger protein 43; minus strand). Cytogenetic location: 17q22.
Variant type: single nucleotide variant.
Coding change: c.1087C>T on transcript NM_017763.6 (MANE Select); coding-DNA position 1087, C replaced by T.
Protein change: p.Arg363Trp; replaces arginine 363 with tryptophan.
Molecular consequence: missense variant.
Genome position (GRCh38, 1-based): chr17:58,358,689, G>A on the plus strand (C>T on the coding strand, the complement: RNF43 is on the minus strand). VCF-style: chr17-58358689-G-A. GRCh37 (hg19) VCF-style: chr17-56436050-G-A.
Other names: c.1087C>T, p.Arg363Trp (NM_001305544.3); c.706C>T, p.Arg236Trp (NM_001305545.2); c.1087C>T (NM_017763.4); short protein forms R363W, R236W.
Identifiers: ClinVar variation 961843 (VCV000961843.10), dbSNP rs761926947, ClinGen allele CA8673237.